The following is an entry in ClinVar:

ClinVar aggregate classification (germline): Pathogenic. Review status: criteria provided, multiple submitters, no conflicts (2 of 4 stars). 2 submissions from 2 submitters: Pathogenic (2). Last evaluated 2023-10-11.

Conditions:
Marfan syndrome (MFS). Also called: MARFAN SYNDROME, TYPE I; FBN1-Related Marfan Syndrome; Marfan syndrome type 1; Marfan's syndrome; Marfan syndrome, classic. Identifiers: Orphanet 284963, Orphanet 558, MedGen C0024796, MONDO:0007947, OMIM 154700.
Familial thoracic aortic aneurysm and aortic dissection (TAAD). Also called: Thoracic aortic aneurysms and dissections. Identifiers: Orphanet 91387, MedGen C4707243, MONDO:0019625.

Submissions (2):

Labcorp Genetics (formerly Invitae), Labcorp
Classification: Pathogenic for Marfan syndrome; Familial thoracic aortic aneurysm and aortic dissection. Last evaluated: 2023-10-11. Review status: criteria provided, single submitter. Criteria: Invitae Variant Classification Sherloc (09022015). Collection method: clinical testing. Allele origin: germline.
Comment: This sequence change creates a premature translational stop signal (p.Cys2029*) in the FBN1 gene. It is expected to result in an absent or disrupted protein product. Loss-of-function variants in FBN1 are known to be pathogenic (PMID: 17657824, 19293843). This variant is not present in population databases (gnomAD no frequency). This premature translational stop signal has been observed in individual(s) with Marfan syndrome (PMID: 19293843). In at least one individual the variant was observed to be de novo. ClinVar contains an entry for this variant (Variation ID: 439704). For these reasons, this variant has been classified as Pathogenic.

ARUP Laboratories, Molecular Genetics and Genomics, ARUP Laboratories
Classification: Pathogenic. Last evaluated: 2016-10-27. Review status: criteria provided, single submitter. Criteria: ARUP Molecular Germline Variant Investigation Process. Collection method: clinical testing. Allele origin: germline.

Literature cited by the submitters: PubMed 17657824 (cited by Labcorp Genetics (formerly Invitae), Labcorp); PubMed 19293843 (cited by Labcorp Genetics (formerly Invitae), Labcorp).

NM_000138.5(FBN1):c.6087C>A (p.Cys2029Ter)

Gene: FBN1 (fibrillin 1; minus strand). Cytogenetic location: 15q21.1.
Variant type: single nucleotide variant.
Coding change: c.6087C>A on transcript NM_000138.5 (MANE Select); coding-DNA position 6087, C replaced by A.
Protein change: p.Cys2029Ter; replaces cysteine 2029 with a stop codon.
Molecular consequence: nonsense.
Genome position (GRCh38, 1-based): chr15:48,441,797, G>T on the plus strand (C>A on the coding strand, the complement: FBN1 is on the minus strand). VCF-style: chr15-48441797-G-T. GRCh37 (hg19) VCF-style: chr15-48733994-G-T.
Other names: short protein forms C2029*.
Identifiers: ClinVar variation 439704 (VCV000439704.13), dbSNP rs1555395475, ClinGen allele CA392338394.